The following is an entry in ClinVar:

NM_005918.4(MDH2):c.3G>A (p.Met1Ile)

Gene: MDH2 (malate dehydrogenase 2; plus strand). Cytogenetic location: 7q11.23.
Variant type: single nucleotide variant.
Coding change: c.3G>A on transcript NM_005918.4 (MANE Select); coding-DNA position 3, G replaced by A.
Protein change: p.Met1Ile; changes the start codon (methionine 1).
Molecular consequence: missense variant, initiator codon variant. On other transcripts: 5 prime UTR variant (1), non-coding transcript variant (1).
Genome position (GRCh38, 1-based): chr7:76,048,163, G>A. VCF-style: chr7-76048163-G-A. GRCh37 (hg19) VCF-style: chr7-75677481-G-A.
Other names: c.3G>A, p.Met1Ile (NM_001282403.2); c.-150G>A (NM_001282404.2); short protein forms M1I.
Identifiers: ClinVar variation 1438390 (VCV001438390.6), dbSNP rs1554584421, ClinGen allele CA367760010.

ClinVar aggregate classification (germline): Uncertain significance (1 of 4 stars; one submission).

Allele frequency attached by ClinVar (database versions not stated): gnomAD exomes below 0.00001 and 0.00001.

Submission:

Labcorp Genetics (formerly Invitae), Labcorp
Classification: Uncertain significance. Last evaluated: 2022-07-18. Review status: criteria provided, single submitter. Criteria: Invitae Variant Classification Sherloc (09022015). Collection method: clinical testing. Allele origin: germline.
Comment: In summary, the available evidence is currently insufficient to determine the role of this variant in disease. Therefore, it has been classified as a Variant of Uncertain Significance. Experimental studies and prediction algorithms are not available or were not evaluated, and the functional significance of this variant is currently unknown. ClinVar contains an entry for this variant (Variation ID: 1438390). This variant has not been reported in the literature in individuals affected with MDH2-related conditions. The frequency data for this variant in the population databases is considered unreliable, as metrics indicate poor data quality at this position in the gnomAD database. This sequence change affects the initiator methionine of the MDH2 mRNA. The next in-frame methionine is located at codon 108.